The following is an entry in ClinVar:

ClinVar aggregate classification (germline): Benign. Review status: criteria provided, multiple submitters, no conflicts (2 of 4 stars). 4 submissions from 4 submitters: Benign (4). Last evaluated 2023-10-01.

Conditions:
Retinal dystrophy. Also called: Inherited retinal dystrophy. Identifiers: Orphanet 71862, MedGen C0854723, MeSH D058499, MONDO:0019118, HP:0000556.
Occult macular dystrophy (OCMD). Also called: OCCULT MACULAR DYSTROPHY, SUSCEPTIBILITY TO; OMD. Identifiers: Orphanet 247834, MedGen C3150833, MONDO:0013316, OMIM 613587, HP:0030636.

Allele frequency attached by ClinVar (database versions not stated): ESP Exome Variant Server 0.10894; gnomAD 0.11995; TOPMed 0.12577; gnomAD exomes 0.17676; 1000 Genomes Project 30x 0.18129; 1000 Genomes Project 0.18650; ExAC 0.25745.
gnomAD v4.1: 227,507 of 1,578,904 alleles (14%); highest among the groups gnomAD compares: South Asian, 33%; 18,882 homozygotes.

Submissions (4):

Dept Of Ophthalmology, Nagoya University
Classification: Benign for Retinal dystrophy. Last evaluated: 2023-10-01. Review status: criteria provided, single submitter. Criteria: Submitter's publication. Collection method: research. Allele origin: germline. Affected: yes.

GeneDx
Classification: Benign. Last evaluated: 2021-05-05. Review status: criteria provided, single submitter. Criteria: GeneDx Variant Classification Process June 2021. Collection method: clinical testing. Allele origin: germline. Affected: yes.

Illumina Laboratory Services, Illumina
Classification: Benign for Occult macular dystrophy. Last evaluated: 2018-01-13. Review status: criteria provided, single submitter. Criteria: ICSL Variant Classification Criteria 13 December 2019. Collection method: clinical testing. Allele origin: germline.
Comment: This variant was observed in the ICSL laboratory as part of a predisposition screen in an ostensibly healthy population. It had not been previously curated by ICSL or reported in the Human Gene Mutation Database (HGMD: prior to June 1st, 2018), and was therefore a candidate for classification through an automated scoring system. Utilizing variant allele frequency, disease prevalence and penetrance estimates, and inheritance mode, an automated score was calculated to assess if this variant is too frequent to cause the disease. Based on the score and internal cut-off values, a variant classified as benign is not then subjected to further curation. The score for this variant resulted in a classification of benign for this disease.

Breakthrough Genomics
Classification: Benign. Review status: criteria provided, single submitter. Criteria: ACMG Guidelines, 2015. Collection method: not provided. Allele origin: germline. Inheritance: Autosomal recessive inheritance. Affected: yes.

NM_178857.6(RP1L1):c.2578C>T (p.Arg860Trp)

Gene: RP1L1 (RP1 like 1). Cytogenetic location: 8p23.1.
Variant type: single nucleotide variant.
Coding change: c.2578C>T on transcript NM_178857.6 (MANE Select); coding-DNA position 2578, C replaced by T.
Protein change: p.Arg860Trp; replaces arginine 860 with tryptophan.
Molecular consequence: missense variant.
Genome position (GRCh38, 1-based): chr8:10,611,520, G>A on the plus strand (C>T on the coding strand, the complement: RP1L1 is on the minus strand). VCF-style: chr8-10611520-G-A. GRCh37 (hg19) VCF-style: chr8-10469030-G-A.
Other names: short protein forms R860W.
Identifiers: ClinVar variation 361340 (VCV000361340.9), dbSNP rs62490856, ClinGen allele CA4624781.